The following is an entry in ClinVar:

ClinVar aggregate classification (germline): Uncertain significance (1 of 4 stars; one submission).

Conditions:
Neuropathy, hereditary motor and sensory, type 6B (HMSN6B). Also called: NEUROPATHY, HEREDITARY MOTOR AND SENSORY, TYPE VIB, WITH OPTIC ATROPHY; Neuropathy, hereditary motor and sensory, type VIB; HMSN VIB; CHARCOT-MARIE-TOOTH DISEASE, TYPE 6B. Identifiers: MedGen C4225302, MONDO:0014671, OMIM 616505.

Submission:

Labcorp Genetics (formerly Invitae), Labcorp
Classification: Uncertain significance for Neuropathy, hereditary motor and sensory, type 6B. Last evaluated: 2016-11-26. Review status: criteria provided, single submitter. Criteria: Invitae Variant Classification Sherloc (09022015). Collection method: clinical testing. Allele origin: germline.
Comment: A gross deletion of the genomic region encompassing the full coding sequence of the SLC25A46 gene has been identified. The boundaries of this event are unknown as the deletion extends beyond the assayed region for this gene and therefore may encompass additional genes. This variant has not been reported in the literature in individuals with a SLC25A46-related disease. The current clinical and genetic evidence is not sufficient to establish whether loss-of-function variants in SLC25A46 cause disease. Therefore, this variant has been classified as a Variant of Uncertain Significance.

NC_000005.9:g.(?_110074801)_(110151791_?)del

Gene: SLC25A46 (solute carrier family 25 member 46; plus strand). Cytogenetic location: 5q22.1.
Variant type: Deletion.
Identifiers: ClinVar variation 1017636 (VCV001017636.1).